The following is an entry in ClinVar:

ClinVar aggregate classification (germline): Uncertain significance (1 of 4 stars; one submission).

Conditions:
Inborn genetic diseases. Identifiers: MedGen C0950123, MeSH D030342.

Submission:

Ambry Genetics
Classification: Uncertain significance for Inborn genetic diseases. Last evaluated: 2025-11-12. Review status: criteria provided, single submitter. Criteria: Ambry Variant Classification Scheme 2023. Collection method: clinical testing. Allele origin: germline.
Comment: The p.P559L variant (also known as c.1676C>T), located in coding exon 1 of the SAMD9L gene, results from a C to T substitution at nucleotide position 1676. The proline at codon 559 is replaced by leucine, an amino acid with similar properties. This amino acid position is conserved. In addition, this alteration is predicted to be tolerated by in silico analysis. Based on the available evidence, the clinical significance of this variant remains unclear.

NM_152703.5(SAMD9L):c.1676C>T (p.Pro559Leu)

Gene: SAMD9L (sterile alpha motif domain containing 9 like; minus strand). Cytogenetic location: 7q21.2.
Variant type: single nucleotide variant.
Coding change: c.1676C>T on transcript NM_152703.5 (MANE Select); coding-DNA position 1676, C replaced by T.
Protein change: p.Pro559Leu; replaces proline 559 with leucine.
Molecular consequence: missense variant.
Genome position (GRCh38, 1-based): chr7:93,134,296, G>A on the plus strand (C>T on the coding strand, the complement: SAMD9L is on the minus strand). VCF-style: chr7-93134296-G-A. GRCh37 (hg19) VCF-style: chr7-92763609-G-A.
Other names: c.1676C>T, p.Pro559Leu (NM_001303496.3, NM_001303497.3, NM_001303498.3 and 5 more transcripts); short protein forms P559L.
Identifiers: ClinVar variation 4630115 (VCV004630115.1).